The following is an entry in ClinVar:

ClinVar aggregate classification (germline): Pathogenic. Review status: criteria provided, multiple submitters, no conflicts (2 of 4 stars). 2 submissions from 2 submitters: Pathogenic (2). Last evaluated 2023-05-09.

Conditions:
Hereditary cancer-predisposing syndrome. Also called: Neoplastic Syndromes, Hereditary; Tumor predisposition; Hereditary neoplastic syndrome; Hereditary Cancer Syndrome. Identifiers: Orphanet 140162, MedGen C0027672, MeSH D009386, MONDO:0015356.
Cardiovascular phenotype. Identifiers: MedGen CN230736.

Submissions (2):

Ambry Genetics
Classification: Pathogenic for Cardiovascular phenotype; Hereditary cancer-predisposing syndrome. Last evaluated: 2023-05-09. Review status: criteria provided, single submitter. Criteria: Ambry Variant Classification Scheme 2023. Collection method: clinical testing. Allele origin: germline.
Comment: The c.382dupA pathogenic mutation, located in coding exon 4 of the LZTR1 gene, results from a duplication of A at nucleotide position 382, causing a translational frameshift with a predicted alternate stop codon (p.S128Kfs*18). This alteration is expected to result in loss of function by premature protein truncation or nonsense-mediated mRNA decay. This variant is considered to be rare based on population cohorts in the Genome Aggregation Database (gnomAD). Loss-of-function variants in LZTR1 are related to an increased risk for schwannomas and autosomal recessive Noonan syndrome; however, such associations with autosomal dominant Noonan syndrome have not been observed (Piotrowski A et al. Nat Genet. 2014 Feb;46:182-7; Yamamoto GL et al. J Med Genet. 2015 Jun;52:413-21; Johnston JJ et al. Genet Med. 2018 10;20:1175-1185). Based on the supporting evidence, this variant is pathogenic for an increased risk of LZTR1-related schwannomatosis (SWN) and would be expected to cause autosomal recessive Noonan syndrome when present along with a second pathogenic or likely pathogenic variant on the other allele; however, the association of this alteration with autosomal dominant Noonan syndrome is unlikely.

Labcorp Genetics (formerly Invitae), Labcorp
Classification: Pathogenic. Last evaluated: 2021-07-22. Review status: criteria provided, single submitter. Criteria: Invitae Variant Classification Sherloc (09022015). Collection method: clinical testing. Allele origin: germline.
Comment: This variant is not present in population databases (ExAC no frequency). For these reasons, this variant has been classified as Pathogenic. This variant has not been reported in the literature in individuals affected with LZTR1-related conditions. This sequence change creates a premature translational stop signal (p.Ser128Lysfs*18) in the LZTR1 gene. It is expected to result in an absent or disrupted protein product. Loss-of-function variants in LZTR1 are known to be pathogenic (PMID: 24362817, 25335493, 25480913, 29469822, 30442762, 30859559).

Literature cited by the submitters: PubMed 24362817 (cited by Labcorp Genetics (formerly Invitae), Labcorp); PubMed 25335493 (cited by Labcorp Genetics (formerly Invitae), Labcorp); PubMed 25480913 (cited by Labcorp Genetics (formerly Invitae), Labcorp); PubMed 29469822 (cited by Labcorp Genetics (formerly Invitae), Labcorp); PubMed 30442762 (cited by Labcorp Genetics (formerly Invitae), Labcorp); PubMed 30859559 (cited by Labcorp Genetics (formerly Invitae), Labcorp).

NM_006767.4(LZTR1):c.382dup (p.Ser128fs)

Gene: LZTR1 (leucine zipper like post translational regulator 1; plus strand). Cytogenetic location: 22q11.21.
Variant type: Duplication.
Coding change: c.382dup on transcript NM_006767.4 (MANE Select); coding-DNA position 382, one base duplicated (A; older notation c.382dupA).
Protein change: p.Ser128fs; shifts the reading frame from serine 128.
Molecular consequence: frameshift variant.
Genome position (GRCh38, 1-based): chr22:20,987,565, A duplicated. VCF-style (leftmost placement, unchanged base first): chr22-20987564-G-GA. GRCh37 (hg19) VCF-style: chr22-21341853-G-GA.
Other names: c.382dupA (NM_006767.3); short protein forms S128fs.
Identifiers: ClinVar variation 1364132 (VCV001364132.7), dbSNP rs2147961500, ClinGen allele CA2573157727.